The following is an entry in ClinVar:

ClinVar aggregate classification (germline): Likely benign (1 of 4 stars; one submission).

Allele frequency attached by ClinVar (database versions not stated): 1000 Genomes Project 0.00839; 1000 Genomes Project 30x 0.00968; gnomAD 0.01313 and 0.01317; TOPMed 0.01337.
gnomAD v4.1: 1,980 of 152,328 alleles (1.3%); highest among the groups gnomAD compares: Non-Finnish European, 2.1%; 24 homozygotes.

Submissions (9):

GeneDx
Classification: Likely benign. Last evaluated: 2018-06-17. Review status: criteria provided, single submitter. Criteria: GeneDx Variant Classification (06012015). Collection method: clinical testing. Allele origin: germline. Affected: yes.
Comment: This variant is considered likely benign or benign based on one or more of the following criteria: it is a conservative change, it occurs at a poorly conserved position in the protein, it is predicted to be benign by multiple in silico algorithms, and/or has population frequency not consistent with disease.

Dr. Peter K. Rogan Lab, Western University
No classification provided (evidence only). Condition: Lung cancer. Review status: no classification provided. Collection method: in vitro. Allele origin: not applicable. Functional consequence: retained intron. Not counted in ClinVar's aggregate classification.

Dr. Peter K. Rogan Lab, Western University
No classification provided (evidence only). Condition: Uterine corpus endometrial carcinoma. Review status: no classification provided. Collection method: in vitro. Allele origin: not applicable. Functional consequence: retained intron. Not counted in ClinVar's aggregate classification.

Dr. Peter K. Rogan Lab, Western University
No classification provided (evidence only). Condition: Uterine corpus endometrial carcinoma. Review status: no classification provided. Collection method: in vitro. Allele origin: not applicable. Functional consequence: retained intron. Not counted in ClinVar's aggregate classification.

Dr. Peter K. Rogan Lab, Western University
No classification provided (evidence only). Condition: Cervical cancer. Review status: no classification provided. Collection method: in vitro. Allele origin: not applicable. Functional consequence: retained intron. Not counted in ClinVar's aggregate classification.

Dr. Peter K. Rogan Lab, Western University
No classification provided (evidence only). Condition: Cholangiocarcinoma. Review status: no classification provided. Collection method: in vitro. Allele origin: not applicable. Functional consequence: retained intron. Not counted in ClinVar's aggregate classification.

Dr. Peter K. Rogan Lab, Western University
No classification provided (evidence only). Condition: Ovarian serous cystadenocarcinoma. Review status: no classification provided. Collection method: in vitro. Allele origin: not applicable. Functional consequence: retained intron. Not counted in ClinVar's aggregate classification.

Dr. Peter K. Rogan Lab, Western University
No classification provided (evidence only). Condition: Ovarian serous cystadenocarcinoma. Review status: no classification provided. Collection method: in vitro. Allele origin: not applicable. Functional consequence: retained intron. Not counted in ClinVar's aggregate classification.

Dr. Peter K. Rogan Lab, Western University
No classification provided (evidence only). Condition: Malignant tumor of esophagus. Review status: no classification provided. Collection method: in vitro. Allele origin: not applicable. Functional consequence: retained intron. Not counted in ClinVar's aggregate classification.

NM_006231.4(POLE):c.5678+212G>A

Gene: POLE (DNA polymerase epsilon, catalytic subunit; minus strand). Cytogenetic location: 12q24.33.
Variant type: single nucleotide variant.
Coding change: c.5678+212G>A on transcript NM_006231.4 (MANE Select); 212 bases into the intron after coding-DNA position 5678, G replaced by A.
Molecular consequence: intron variant.
Genome position (GRCh38, 1-based): chr12:132,637,802, C>T on the plus strand (G>A on the coding strand, the complement: POLE is on the minus strand). VCF-style: chr12-132637802-C-T. GRCh37 (hg19) VCF-style: chr12-133214388-C-T.
Other names: NC_000012.11:g.133214388C>T.
Identifiers: ClinVar variation 679704 (VCV000679704.2), dbSNP rs5744977, ClinGen allele CA246298405.
Genomic context (GRCh38, chr12:132,637,802, plus strand): 5'-AACAAACAAAAATCACTGTGGAACCTTCTTAGCAAAGGCAGGCCACTTCCTGAACTTGCC[C>T]AACTCAAGCTGCACAGCTGAGTGGCCTCCGATCTGCTACCGCGCACAGGTGGCGGTAACC-3'